The following is an entry in ClinVar:

ClinVar aggregate classification (germline): Likely pathogenic (1 of 4 stars; one submission).

Conditions:
Treacher Collins syndrome 2 (TCS2). Also called: POLR1D-Related Treacher Collins Syndrome; TREACHER COLLINS SYNDROME 2, AUTOSOMAL RECESSIVE. Identifiers: Orphanet 861, MedGen C3150983, MONDO:0013385, OMIM 613717.

Submission:

Rady Children's Institute for Genomic Medicine, Rady Children's Hospital San Diego
Classification: Likely pathogenic for Treacher Collins syndrome 2. Last evaluated: 2025-01-07. Review status: criteria provided, single submitter. Criteria: ACMG Guidelines, 2015. Collection method: clinical testing. Allele origin: germline. Affected: yes.
Comment: This nonsense variant is found in the last exon of POLR1D, therefore the resulting mRNA is predicted to escape nonsense-mediated decay. However, a few nonsense variants located downstream of this variant have been reported in patients with Treacher Collins syndrome 2 (PMID: 21131976, 25790162). This variant has not been previously reported or functionally characterized in the literature to our knowledge. The c.227C>A (p.Ser76Ter) variant is absent from the latest version of the gnomAD population database and thus is presumed to be rare. Based on the available evidence, c.227C>A (p.Ser76Ter) is classified as Likely Pathogenic.

Literature cited by the submitters: PubMed 21131976; PubMed 25790162.

NM_015972.4(POLR1D):c.227C>A (p.Ser76Ter)

Genes: POLR1D (RNA polymerase I and III subunit D; plus strand), LOC147380392 (uncharacterized LOC147380392; plus strand). Cytogenetic location: 13q12.2.
Variant type: single nucleotide variant.
Coding change: c.227C>A on transcript NM_015972.4 (MANE Select); coding-DNA position 227, C replaced by A.
Protein change: p.Ser76Ter; replaces serine 76 with a stop codon.
Molecular consequence: nonsense. On other transcripts: intron variant (2).
Genome position (GRCh38, 1-based): chr13:27,623,075, C>A. VCF-style: chr13-27623075-C-A. GRCh37 (hg19) VCF-style: chr13-28197212-C-A.
Other names: c.227C>A, p.Ser76Ter (NM_001374407.1); c.-59+1935C>A (NM_001206559.2); c.26+1066C>A (NM_152705.3); short protein forms S76*.
Identifiers: ClinVar variation 4814197 (VCV004814197.1).